The following is an entry in ClinVar:

ClinVar aggregate classification (germline): Likely benign (1 of 4 stars; one submission).

gnomAD v4.1: 25 of 1,613,022 alleles (0.0015%); highest among the groups gnomAD compares: Non-Finnish European, 0.0021%; no homozygotes.

Submission:

CeGaT Center for Human Genetics Tuebingen
Classification: Likely benign. Last evaluated: 2025-06-01. Review status: criteria provided, single submitter. Criteria: CeGaT Center For Human Genetics Tuebingen Variant Classification Criteria Version 2. Collection method: clinical testing. Allele origin: germline. Affected: yes. Observed: 2 variant alleles.
Comment: SRCAP: BS1

NM_006662.3(SRCAP):c.6907G>T (p.Ala2303Ser)

Gene: SRCAP (Snf2 related CREBBP activator protein; plus strand). Cytogenetic location: 16p11.2.
Variant type: single nucleotide variant.
Coding change: c.6907G>T on transcript NM_006662.3 (MANE Select); coding-DNA position 6907, G replaced by T.
Protein change: p.Ala2303Ser; replaces alanine 2303 with serine.
Molecular consequence: missense variant.
Genome position (GRCh38, 1-based): chr16:30,736,377, G>T. VCF-style: chr16-30736377-G-T. GRCh37 (hg19) VCF-style: chr16-30747698-G-T.
Other names: short protein forms A2303S.
Identifiers: ClinVar variation 3906070 (VCV003906070.10).